The following is an entry in ClinVar:

NM_001080467.3(MYO5B):c.3047G>A (p.Arg1016Gln)

Gene: MYO5B (myosin VB; minus strand). Cytogenetic location: 18q21.1.
Variant type: single nucleotide variant.
Coding change: c.3047G>A on transcript NM_001080467.3 (MANE Select); coding-DNA position 3047, G replaced by A.
Protein change: p.Arg1016Gln; replaces arginine 1016 with glutamine.
Molecular consequence: missense variant.
Genome position (GRCh38, 1-based): chr18:49,880,454, C>T on the plus strand (G>A on the coding strand, the complement: MYO5B is on the minus strand). VCF-style: chr18-49880454-C-T. GRCh37 (hg19) VCF-style: chr18-47406824-C-T.
Other names: c.3047G>A (NM_001080467.2); short protein forms R1016Q.
Identifiers: ClinVar variation 1425344 (VCV001425344.5), dbSNP rs199498650, ClinGen allele CA8960853.

ClinVar aggregate classification (germline): Uncertain significance. Review status: criteria provided, multiple submitters, no conflicts (2 of 4 stars). 2 submissions from 2 submitters: Uncertain significance (2). Last evaluated 2022-08-21.

Conditions:
Inborn genetic diseases. Identifiers: MedGen C0950123, MeSH D030342.

Allele frequency attached by ClinVar (database versions not stated): ExAC 0.00009; TOPMed 0.00011; gnomAD 0.00013 and 0.00014; 1000 Genomes Project 30x 0.00016; 1000 Genomes Project 0.00020; ESP Exome Variant Server 0.00051.
gnomAD v4.1: 50 of 1,613,632 alleles (0.0031%); highest among the groups gnomAD compares: African/African-American, 0.049%; 1 homozygote.

Submissions (4):

Labcorp Genetics (formerly Invitae), Labcorp
Classification: Uncertain significance. Last evaluated: 2022-08-21. Review status: criteria provided, single submitter. Criteria: Invitae Variant Classification Sherloc (09022015). Collection method: clinical testing. Allele origin: germline.
Comment: This sequence change replaces arginine, which is basic and polar, with glutamine, which is neutral and polar, at codon 1016 of the MYO5B protein (p.Arg1016Gln). This variant is present in population databases (rs199498650, gnomAD 0.06%). This variant has not been reported in the literature in individuals affected with MYO5B-related conditions. ClinVar contains an entry for this variant (Variation ID: 1425344). Algorithms developed to predict the effect of missense changes on protein structure and function output the following: SIFT: "Deleterious"; PolyPhen-2: "Benign"; Align-GVGD: "Class C0". The glutamine amino acid residue is found in multiple mammalian species, which suggests that this missense change does not adversely affect protein function. In summary, the available evidence is currently insufficient to determine the role of this variant in disease. Therefore, it has been classified as a Variant of Uncertain Significance.

Ambry Genetics
Classification: Uncertain significance for Inborn genetic diseases. Last evaluated: 2021-08-13. Review status: criteria provided, single submitter. Criteria: Ambry Variant Classification Scheme 2023. Collection method: clinical testing. Allele origin: germline.

Dr. Peter K. Rogan Lab, Western University
No classification provided (evidence only). Condition: Uterine corpus endometrial carcinoma. Review status: no classification provided. Collection method: in vitro. Allele origin: not applicable. Functional consequence: retained intron. Not counted in ClinVar's aggregate classification.

Dr. Peter K. Rogan Lab, Western University
No classification provided (evidence only). Condition: Gastric cancer. Review status: no classification provided. Collection method: in vitro. Allele origin: not applicable. Functional consequence: retained intron. Not counted in ClinVar's aggregate classification.